The following is an entry in ClinVar:

ClinVar aggregate classification (germline): Uncertain significance (1 of 4 stars; one submission).

Conditions:
Brugada syndrome 8 (BRGDA8). Identifiers: Orphanet 130, MedGen C2751083, MONDO:0013148, OMIM 613123.

Allele frequency attached by ClinVar (database versions not stated): gnomAD exomes below 0.00001.

Submission:

Labcorp Genetics (formerly Invitae), Labcorp
Classification: Uncertain significance for Brugada syndrome 8. Last evaluated: 2024-10-28. Review status: criteria provided, single submitter. Criteria: Invitae Variant Classification Sherloc (09022015). Collection method: clinical testing. Allele origin: germline.
Comment: This sequence change replaces serine, which is neutral and polar, with asparagine, which is neutral and polar, at codon 88 of the HCN4 protein (p.Ser88Asn). This variant is not present in population databases (gnomAD no frequency). This variant has not been reported in the literature in individuals affected with HCN4-related conditions. ClinVar contains an entry for this variant (Variation ID: 404134). Invitae Evidence Modeling of protein sequence and biophysical properties (such as structural, functional, and spatial information, amino acid conservation, physicochemical variation, residue mobility, and thermodynamic stability) indicates that this missense variant is not expected to disrupt HCN4 protein function with a negative predictive value of 95%. In summary, the available evidence is currently insufficient to determine the role of this variant in disease. Therefore, it has been classified as a Variant of Uncertain Significance.

NM_005477.3(HCN4):c.263G>A (p.Ser88Asn)

Gene: HCN4 (hyperpolarization activated cyclic nucleotide gated potassium channel 4; minus strand). Cytogenetic location: 15q24.1.
Variant type: single nucleotide variant.
Coding change: c.263G>A on transcript NM_005477.3 (MANE Select); coding-DNA position 263, G replaced by A.
Protein change: p.Ser88Asn; replaces serine 88 with asparagine.
Molecular consequence: missense variant.
Genome position (GRCh38, 1-based): chr15:73,368,008, C>T on the plus strand (G>A on the coding strand, the complement: HCN4 is on the minus strand). VCF-style: chr15-73368008-C-T. GRCh37 (hg19) VCF-style: chr15-73660349-C-T.
Other names: short protein forms S88N.
Identifiers: ClinVar variation 404134 (VCV000404134.9), dbSNP rs1060500108, ClinGen allele CA16614926.